The following is an entry in ClinVar:

ClinVar aggregate classification (germline): Conflicting classifications of pathogenicity. Review status: criteria provided, conflicting classifications (1 of 4 stars). 5 submissions from 5 submitters: Uncertain significance (1); Likely benign (4). Last evaluated 2025-08-30.

Conditions:
Early-infantile DEE. Also called: Ohtahara syndrome; Early infantile epileptic encephalopathy; Early infantile epileptic encephalopathy with suppression bursts. Identifiers: Orphanet 1934, MedGen C0393706, MONDO:0800491.

Allele frequency attached by ClinVar (database versions not stated): gnomAD 0.00006 and 0.00007; TOPMed 0.00008; gnomAD exomes 0.00014; ExAC 0.00015; 1000 Genomes Project 30x 0.00047; 1000 Genomes Project 0.00060.
gnomAD v4.1: 123 of 1,614,186 alleles (0.0076%); highest among the groups gnomAD compares: South Asian, 0.064%; 1 homozygote.

Submissions (5):

Labcorp Genetics (formerly Invitae), Labcorp
Classification: Likely benign for Early-infantile DEE. Last evaluated: 2025-08-30. Review status: criteria provided, single submitter. Criteria: Invitae Variant Classification Sherloc (09022015). Collection method: clinical testing. Allele origin: germline.

Blueprint Genetics
Classification: Likely benign. Last evaluated: 2024-11-18. Review status: criteria provided, single submitter. Criteria: ACMG Guidelines, 2015. Collection method: clinical testing. Allele origin: germline.

Revvity Omics, Revvity
Classification: Uncertain significance. Last evaluated: 2024-01-11. Review status: criteria provided, single submitter. Criteria: ACMG Guidelines, 2015. Collection method: clinical testing. Allele origin: germline.

CeGaT Center for Human Genetics Tuebingen
Classification: Likely benign. Last evaluated: 2023-11-01. Review status: criteria provided, single submitter. Criteria: CeGaT Center For Human Genetics Tuebingen Variant Classification Criteria Version 2. Collection method: clinical testing. Allele origin: germline. Affected: yes. Observed: 1 variant allele.
Comment: SPTAN1: BS1

GeneDx
Classification: Likely benign. Last evaluated: 2017-10-18. Review status: criteria provided, single submitter. Criteria: GeneDx Variant Classification (06012015). Collection method: clinical testing. Allele origin: germline. Affected: yes.
Comment: This variant is considered likely benign or benign based on one or more of the following criteria: it is a conservative change, it occurs at a poorly conserved position in the protein, it is predicted to be benign by multiple in silico algorithms, and/or has population frequency not consistent with disease.

NM_001130438.3(SPTAN1):c.5648A>G (p.Asn1883Ser)

Gene: SPTAN1 (spectrin alpha, non-erythrocytic 1; plus strand). Cytogenetic location: 9q34.11.
Variant type: single nucleotide variant.
Coding change: c.5648A>G on transcript NM_001130438.3 (MANE Select); coding-DNA position 5648, A replaced by G.
Protein change: p.Asn1883Ser; replaces asparagine 1883 with serine.
Molecular consequence: missense variant.
Genome position (GRCh38, 1-based): chr9:128,618,918, A>G. VCF-style: chr9-128618918-A-G. GRCh37 (hg19) VCF-style: chr9-131381197-A-G.
Other names: p.N1883S:AAT>AGT; c.5573A>G, p.Asn1858Ser (NM_001195532.2); c.5648A>G, p.Asn1883Ser (NM_001363759.2); c.5588A>G, p.Asn1863Ser (NM_001363765.2); c.5633A>G, p.Asn1878Ser (NM_003127.4); short protein forms N1883S, N1863S, N1878S, N1858S.
Identifiers: ClinVar variation 207296 (VCV000207296.36), dbSNP rs200248814, ClinGen allele CA318627.
Genomic context (GRCh38, chr9:128,618,918, plus strand): 5'-CTCCTGTAATTAGGGGTCAGCGGCTGGAAGAGTCCTTGGAATATCAGCAGTTTGTAGCCA[A>G]TGTGGAAGAGGAAGAAGCCTGGATCAATGAGAAAATGACCCTGGTGGCCAGCGAAGATTA-3'
Protein context (NP_001123910.1, residues 1873-1893): ESLEYQQFVA[Asn1883Ser]VEEEEAWINE